The following is an entry in ClinVar:

ClinVar aggregate classification (germline): Uncertain significance (1 of 4 stars; one submission).

Conditions:
Hereditary cancer-predisposing syndrome. Also called: Tumor predisposition; Hereditary Cancer Syndrome; Hereditary neoplastic syndrome; Neoplastic Syndromes, Hereditary. Identifiers: Orphanet 140162, MedGen C0027672, MeSH D009386, MONDO:0015356.

Submission:

Ambry Genetics
Classification: Uncertain significance for Hereditary cancer-predisposing syndrome. Last evaluated: 2023-02-21. Review status: criteria provided, single submitter. Criteria: Ambry Variant Classification Scheme 2023. Collection method: clinical testing. Allele origin: germline.
Comment: The p.E2347K variant (also known as c.7039G>A), located in coding exon 47 of the ATM gene, results from a G to A substitution at nucleotide position 7039. The glutamic acid at codon 2347 is replaced by lysine, an amino acid with similar properties. This amino acid position is conserved. In addition, this alteration is predicted to be deleterious by in silico analysis. Since supporting evidence is limited at this time, the clinical significance of this alteration remains unclear.

NM_000051.4(ATM):c.7039G>A (p.Glu2347Lys)

Genes: ATM (ATM serine/threonine kinase; plus strand), C11orf65 (chromosome 11 open reading frame 65; minus strand). Cytogenetic location: 11q22.3.
Variant type: single nucleotide variant.
Coding change: c.7039G>A on transcript NM_000051.4 (MANE Select); coding-DNA position 7039, G replaced by A.
Protein change: p.Glu2347Lys; replaces glutamic acid 2347 with lysine.
Molecular consequence: missense variant. On other transcripts: intron variant (2).
Genome position (GRCh38, 1-based): chr11:108,327,708, G>A. VCF-style: chr11-108327708-G-A. GRCh37 (hg19) VCF-style: chr11-108198435-G-A.
Other names: c.7039G>A, p.Glu2347Lys (NM_001351834.2); c.641-18637C>T (NM_001330368.2); c.*38+7512C>T (NM_001351110.2); short protein forms E2347K.
Identifiers: ClinVar variation 3222699 (VCV003222699.1), dbSNP rs2136376930, ClinGen allele CA382558884.